The following is an entry in ClinVar:

NM_153033.5(KCTD7):c.143A>G (p.Glu48Gly)

Genes: KCTD7 (potassium channel tetramerization domain containing 7; plus strand), LOC129998533 (ATAC-STARR-seq lymphoblastoid silent region 18210; plus strand). Cytogenetic location: 7q11.21.
Variant type: single nucleotide variant.
Coding change: c.143A>G on transcript NM_153033.5 (MANE Select); coding-DNA position 143, A replaced by G.
Protein change: p.Glu48Gly; replaces glutamic acid 48 with glycine.
Molecular consequence: missense variant.
Genome position (GRCh38, 1-based): chr7:66,629,207, A>G. VCF-style: chr7-66629207-A-G. GRCh37 (hg19) VCF-style: chr7-66094194-A-G.
Other names: c.143A>G, p.Glu48Gly (NM_001167961.2); short protein forms E48G.
Identifiers: ClinVar variation 2150901 (VCV002150901.3), dbSNP rs2535233250, ClinGen allele CA367695412.

ClinVar aggregate classification (germline): Uncertain significance (1 of 4 stars; one submission).

Conditions:
Progressive myoclonic epilepsy type 3. Also called: EPILEPSY, PROGRESSIVE MYOCLONIC, 3, WITH OR WITHOUT INTRACELLULAR INCLUSIONS; CEROID LIPOFUSCINOSIS, NEURONAL, 14; KCTD7-Related Progressive Myoclonic Epilepsy; EPILEPSY, PROGRESSIVE MYOCLONIC, 3, WITHOUT INTRACELLULAR INCLUSIONS. Identifiers: Orphanet 263516, MedGen C2673257, MONDO:0012721, OMIM 611726.

Submission:

Labcorp Genetics (formerly Invitae), Labcorp
Classification: Uncertain significance for Progressive myoclonic epilepsy type 3. Last evaluated: 2024-11-11. Review status: criteria provided, single submitter. Criteria: Invitae Variant Classification Sherloc (09022015). Collection method: clinical testing. Allele origin: germline.
Comment: This sequence change replaces glutamic acid, which is acidic and polar, with glycine, which is neutral and non-polar, at codon 48 of the KCTD7 protein (p.Glu48Gly). This variant is not present in population databases (gnomAD no frequency). This variant has not been reported in the literature in individuals affected with KCTD7-related conditions. ClinVar contains an entry for this variant (Variation ID: 2150901). An algorithm developed to predict the effect of missense changes on protein structure and function (PolyPhen-2) suggests that this variant is likely to be tolerated. Algorithms developed to predict the effect of sequence changes on RNA splicing suggest that this variant may disrupt the consensus splice site. In summary, the available evidence is currently insufficient to determine the role of this variant in disease. Therefore, it has been classified as a Variant of Uncertain Significance.